The following is an entry in ClinVar:

ClinVar aggregate classification (germline): Conflicting classifications of pathogenicity. Review status: criteria provided, conflicting classifications (1 of 4 stars). 3 submissions from 3 submitters: Uncertain significance (2); Likely benign (1). Last evaluated 2025-08-15.

Conditions:
Inborn genetic diseases. Identifiers: MedGen C0950123, MeSH D030342.
Cornelia de Lange syndrome 1 (CDLS1). Also called: Brachmann de Lange syndrome; NIPBL-Related Cornelia de Lange Syndrome; TYPUS DEGENERATIVUS AMSTELODAMENSIS. Identifiers: Orphanet 199, MedGen C4551851, MONDO:0007387, OMIM 122470.

Allele frequency attached by ClinVar (database versions not stated): TOPMed below 0.00001; ExAC 0.00001; gnomAD exomes 0.00002 and 0.00004; gnomAD 0.00003.
gnomAD v4.1: 59 of 1,610,474 alleles (0.0037%); highest among the groups gnomAD compares: Middle Eastern, 0.017%; no homozygotes.

Submissions (5):

Labcorp Genetics (formerly Invitae), Labcorp
Classification: Uncertain significance for Cornelia de Lange syndrome 1. Last evaluated: 2025-08-15. Review status: criteria provided, single submitter. Criteria: Invitae Variant Classification Sherloc (09022015). Collection method: clinical testing. Allele origin: germline.
Comment: This sequence change replaces arginine, which is basic and polar, with histidine, which is basic and polar, at codon 1673 of the NIPBL protein (p.Arg1673His). This variant is present in population databases (rs770286768, gnomAD 0.004%). This variant has not been reported in the literature in individuals affected with NIPBL-related conditions. ClinVar contains an entry for this variant (Variation ID: 809749). Invitae Evidence Modeling of protein sequence and biophysical properties (such as structural, functional, and spatial information, amino acid conservation, physicochemical variation, residue mobility, and thermodynamic stability) has been performed for this missense variant. However, the output from this modeling did not meet the statistical confidence thresholds required to predict the impact of this variant on NIPBL protein function. In summary, the available evidence is currently insufficient to determine the role of this variant in disease. Therefore, it has been classified as a Variant of Uncertain Significance.

Ambry Genetics
Classification: Likely benign for Inborn genetic diseases. Last evaluated: 2025-01-19. Review status: criteria provided, single submitter. Criteria: Ambry Variant Classification Scheme 2023. Collection method: clinical testing. Allele origin: germline.

CeGaT Center for Human Genetics Tuebingen
Classification: Uncertain significance. Last evaluated: 2018-03-01. Review status: criteria provided, single submitter. Criteria: CeGaT Center For Human Genetics Tuebingen Variant Classification Criteria Version 2. Collection method: clinical testing. Allele origin: germline. Affected: yes. Observed: 1 variant allele.

Dr. Peter K. Rogan Lab, Western University
No classification provided (evidence only). Condition: Cervical cancer. Review status: no classification provided. Collection method: in vitro. Allele origin: not applicable. Functional consequence: retained intron. Not counted in ClinVar's aggregate classification.

Dr. Peter K. Rogan Lab, Western University
No classification provided (evidence only). Condition: Pancreatic adenocarcinoma. Review status: no classification provided. Collection method: in vitro. Allele origin: not applicable. Functional consequence: retained intron. Not counted in ClinVar's aggregate classification.

NM_133433.4(NIPBL):c.5018G>A (p.Arg1673His)

Gene: NIPBL (NIPBL cohesin loading factor; plus strand). Cytogenetic location: 5p13.2.
Variant type: single nucleotide variant.
Coding change: c.5018G>A on transcript NM_133433.4 (MANE Select); coding-DNA position 5018, G replaced by A.
Protein change: p.Arg1673His; replaces arginine 1673 with histidine.
Molecular consequence: missense variant.
Genome position (GRCh38, 1-based): chr5:37,020,466, G>A. VCF-style: chr5-37020466-G-A. GRCh37 (hg19) VCF-style: chr5-37020568-G-A.
Other names: c.5018G>A, p.Arg1673His (NM_015384.5); c.5018G>A (NM_133433.3); short protein forms R1673H.
Identifiers: ClinVar variation 809749 (VCV000809749.47), dbSNP rs770286768, ClinGen allele CA3236692.